The following is an entry in ClinVar:

ClinVar aggregate classification (germline): Pathogenic (1 of 4 stars; one submission).

Conditions:
Congenital disorder of deglycosylation (CDDG). Identifiers: MedGen C3808991, MONDO:0031376.

Submission:

Labcorp Genetics (formerly Invitae), Labcorp
Classification: Pathogenic for Congenital disorder of deglycosylation. Last evaluated: 2023-12-05. Review status: criteria provided, single submitter. Criteria: Invitae Variant Classification Sherloc (09022015). Collection method: clinical testing. Allele origin: unknown.
Comment: This variant is a gross deletion of the genomic region encompassing exon(s) 6 of the NGLY1 gene. This deletion is out-of-frame, and is expected to create a premature termination codon and result in an absent or disrupted protein product. Loss-of-function variants in NGLY1 are known to be pathogenic (PMID: 24651605). This variant has not been reported in the literature in individuals affected with NGLY1-related conditions. For these reasons, this variant has been classified as Pathogenic.

Literature cited by the submitters: PubMed 24651605.

NC_000003.11:g.(?_25778805)_(25778966_?)del

Gene: NGLY1 (N-glycanase 1; minus strand). Cytogenetic location: 3p24.2.
Variant type: Deletion.
Identifiers: ClinVar variation 3246926 (VCV003246926.1).